The following is an entry in ClinVar:

ClinVar aggregate classification (germline): Uncertain significance (1 of 4 stars; one submission).

Submission:

Labcorp Genetics (formerly Invitae), Labcorp
Classification: Uncertain significance. Last evaluated: 2021-04-02. Review status: criteria provided, single submitter. Criteria: Invitae Variant Classification Sherloc (09022015). Collection method: clinical testing. Allele origin: germline.
Comment: In summary, the available evidence is currently insufficient to determine the role of this variant in disease. Therefore, it has been classified as a Variant of Uncertain Significance. Experimental studies and prediction algorithms are not available or were not evaluated, and the functional significance of this variant is currently unknown. This variant has not been reported in the literature in individuals with DNASE2-related conditions. This variant is not present in population databases (ExAC no frequency). This variant, c.172_174del, results in the deletion of 1 amino acid(s) of the DNASE2 protein (p.Ser58del), but otherwise preserves the integrity of the reading frame.

NM_001375.3(DNASE2):c.172_174del (p.Ser58del)

Genes: DNASE2 (deoxyribonuclease 2, lysosomal; minus strand), LOC117125588 (CRISPRi-FlowFISH-validated KLF1 regulatory element 1; plus strand). Cytogenetic location: 19p13.13.
Variant type: Deletion.
Coding change: c.172_174del on transcript NM_001375.3 (MANE Select); coding-DNA positions 172 to 174, 3 bases deleted (TCC; older notation c.172_174delTCC).
Protein change: p.Ser58del; deletes serine 58.
Molecular consequence: inframe deletion.
Genome position (GRCh38, 1-based): chr19:12,881,065-12,881,067, GGA deleted on the plus strand (TCC on the coding strand, the reverse complement: DNASE2 is on the minus strand); deleting any 3 consecutive bases within chr19:12,881,065-12,881,068 gives the same sequence; the c. name uses the placement nearest the transcript's 3' end. VCF-style (leftmost placement, unchanged base first): chr19-12881064-CGGA-C. GRCh37 (hg19) VCF-style: chr19-12991878-CGGA-C.
Other names: short protein forms S58del.
Identifiers: ClinVar variation 1519459 (VCV001519459.8), dbSNP rs2145923318, ClinGen allele CA2573156000.
Genomic context (GRCh38, chr19:12,881,064, plus strand): 5'-GGCTTCGGCCCACGGCCCCCTCCGGGCTGTTGATGAGTGCCCTGCCGTCCCGCCAGCCTC[CGGA>C]GCTCTCGTCCAGATACTTGTACTGCAGCCCTCTCTGCGCCGCCTCCCCGGACCCTCTAAG-3'